The following is an entry in ClinVar:

NM_001127222.2(CACNA1A):c.2626G>A (p.Gly876Ser)

Gene: CACNA1A (calcium voltage-gated channel subunit alpha1 A; minus strand). Cytogenetic location: 19p13.13.
Variant type: single nucleotide variant.
Coding change: c.2626G>A on transcript NM_001127222.2 (MANE Select); coding-DNA position 2626, G replaced by A.
Protein change: p.Gly876Ser; replaces glycine 876 with serine.
Molecular consequence: missense variant.
Genome position (GRCh38, 1-based): chr19:13,299,007, C>T on the plus strand (G>A on the coding strand, the complement: CACNA1A is on the minus strand). VCF-style: chr19-13299007-C-T. GRCh37 (hg19) VCF-style: chr19-13409821-C-T.
Other names: c.2626G>A (NM_001127222.1); c.2638G>A, p.Gly880Ser (NM_000068.4, NM_023035.3); c.2629G>A, p.Gly877Ser (NM_001127221.2, NM_001174080.2); short protein forms G876S, G877S, G880S.
Identifiers: ClinVar variation 1101379 (VCV001101379.13), dbSNP rs763054302, ClinGen allele CA9240514.
Genomic context (GRCh38, chr19:13,299,007, plus strand): 5'-GTCCCTCCCGGCTCAGCTCGGCCTCCTGGCTTCCCGCCCAGGGCCTCCGTGCGTCCAGGC[C>T]CGCCGAGCCGCTGGGGTCCCGGGCCCGATCGTGGTAGCGGGCCTGTTTCCTGAGGAAGTC-3'
Protein context (NP_001120694.1, residues 866-886): DRARDPSGSA[Gly876Ser]LDARRPWAGS

ClinVar aggregate classification (germline): Likely benign. Review status: criteria provided, multiple submitters, no conflicts (2 of 4 stars). 4 submissions from 4 submitters: Likely benign (3). 1 of the submissions does not count toward it. Last evaluated 2025-12-03.

Conditions:
CACNA1A-related disorder. Also called: CACNA1A-related condition.
Episodic ataxia type 2 (EA2). Also called: ACETAZOLAMIDE-RESPONSIVE HEREDITARY PAROXYSMAL CEREBELLAR ATAXIA; ATAXIA, EPISODIC, WITH NYSTAGMUS; ATAXIA, FAMILIAL PAROXYSMAL; CEREBELLAR ATAXIA, PAROXYSMAL, ACETAZOLAMIDE-RESPONSIVE; CEREBELLOPATHY, HEREDITARY PAROXYSMAL; EPISODIC ATAXIA, NYSTAGMUS-ASSOCIATED. Identifiers: Orphanet 97, MedGen C1720416, MONDO:0007163, OMIM 108500.
Developmental and epileptic encephalopathy, 42 (DEE42A). Also called: DEVELOPMENTAL AND EPILEPTIC ENCEPHALOPATHY 42A; EPILEPTIC ENCEPHALOPATHY, EARLY INFANTILE, 42A; Epileptic encephalopathy, early infantile, 42. Identifiers: MedGen C4310716, MONDO:0014917, OMIM 617106.

Allele frequency attached by ClinVar (database versions not stated): gnomAD exomes 0.00003 and 0.00009; gnomAD 0.00004 and 0.00005; TOPMed 0.00004; ExAC 0.00011.
gnomAD v4.1: 62 of 1,581,906 alleles (0.0039%); highest among the groups gnomAD compares: Middle Eastern, 0.033%; no homozygotes.

Submissions (4):

Labcorp Genetics (formerly Invitae), Labcorp
Classification: Likely benign for Developmental and epileptic encephalopathy, 42; Episodic ataxia type 2. Last evaluated: 2025-12-03. Review status: criteria provided, single submitter. Criteria: Invitae Variant Classification Sherloc (09022015). Collection method: clinical testing. Allele origin: germline.

GeneDx
Classification: Likely benign. Last evaluated: 2021-03-09. Review status: criteria provided, single submitter. Criteria: GeneDx Variant Classification Process June 2021. Collection method: clinical testing. Allele origin: germline. Affected: yes.
Comment: Has not been previously published as pathogenic or benign to our knowledge

Breakthrough Genomics
Classification: Likely benign. Review status: criteria provided, single submitter. Criteria: ACMG Guidelines, 2015. Collection method: not provided. Allele origin: germline. Inheritance: Autosomal dominant inheritance. Affected: yes.

PreventionGenetics, part of Exact Sciences
Classification: Likely benign for CACNA1A-related condition. Last evaluated: 2024-04-02. Review status: no assertion criteria provided. Collection method: clinical testing. Allele origin: germline. Not counted in ClinVar's aggregate classification.
Comment: This variant is classified as likely benign based on ACMG/AMP sequence variant interpretation guidelines (Richards et al. 2015 PMID: 25741868, with internal and published modifications).